The following is an entry in ClinVar:

NM_002834.5(PTPN11):c.1447+1G>A

Gene: PTPN11 (protein tyrosine phosphatase non-receptor type 11; plus strand). Cytogenetic location: 12q24.13.
Variant type: single nucleotide variant.
Coding change: c.1447+1G>A on transcript NM_002834.5 (MANE Select); the canonical splice donor site of the intron after coding-DNA position 1447, G replaced by A.
Molecular consequence: splice donor variant.
Genome position (GRCh38, 1-based): chr12:112,488,511, G>A. VCF-style: chr12-112488511-G-A. GRCh37 (hg19) VCF-style: chr12-112926315-G-A.
Other names: c.1459+1G>A (NM_001330437.2); c.1444+1G>A (NM_001374625.1).
Identifiers: ClinVar variation 2707218 (VCV002707218.3), dbSNP rs2135915222, ClinGen allele CA386778682.
Genomic context (GRCh38, chr12:112,488,511, plus strand): 5'-TTGGCCGGACAGGGACGTTCATTGTGATTGATATTCTTATTGACATCATCAGAGAGAAAG[G>A]TGGGTCATCTGGTGGGCAAGAAGCGACAGTTTCTGTTTTTAGTTTATGGAAGGAAAGTGC-3'

ClinVar aggregate classification (germline): Likely pathogenic (1 of 4 stars; one submission).

Conditions:
RASopathy. Also called: rasopathies; Noonan spectrum disorder. Identifiers: Orphanet 536391, MedGen C5555857, MONDO:0021060.

Submission:

Labcorp Genetics (formerly Invitae), Labcorp
Classification: Likely pathogenic for RASopathy. Last evaluated: 2024-04-10. Review status: criteria provided, single submitter. Criteria: Invitae Variant Classification Sherloc (09022015). Collection method: clinical testing. Allele origin: germline.
Comment: This sequence change affects a donor splice site in intron 12 of the PTPN11 gene. It is expected to disrupt RNA splicing. Variants that disrupt the donor or acceptor splice site typically lead to a loss of protein function (PMID: 16199547), and loss-of-function variants in PTPN11 are known to be pathogenic (PMID: 20577567, 21533187). This variant is not present in population databases (gnomAD no frequency). This variant has not been reported in the literature in individuals affected with PTPN11-related conditions. Algorithms developed to predict the effect of sequence changes on RNA splicing suggest that this variant may disrupt the consensus splice site. In summary, the currently available evidence indicates that the variant is pathogenic, but additional data are needed to prove that conclusively. Therefore, this variant has been classified as Likely Pathogenic.

Literature cited by the submitters: PubMed 16199547; PubMed 20577567; PubMed 21533187.